The following is an entry in ClinVar:

ClinVar aggregate classification (germline): Conflicting classifications of pathogenicity. Review status: criteria provided, conflicting classifications (1 of 4 stars). 4 submissions from 4 submitters: Uncertain significance (3); Likely benign (1). Last evaluated 2025-07-10.

Conditions:
Treacher Collins syndrome 1 (TCS1). Also called: TCOF1-Related Treacher Collins Syndrome. Identifiers: Orphanet 861, MedGen CN315775, MONDO:0007944, OMIM 154500.
Inborn genetic diseases. Identifiers: MedGen C0950123, MeSH D030342.

Allele frequency attached by ClinVar (database versions not stated): ExAC 0.00004; gnomAD 0.00004; gnomAD exomes 0.00005 and 0.00007; TOPMed 0.00005.

Submissions (4):

Labcorp Genetics (formerly Invitae), Labcorp
Classification: Uncertain significance for Treacher Collins syndrome 1. Last evaluated: 2025-07-10. Review status: criteria provided, single submitter. Criteria: Invitae Variant Classification Sherloc (09022015). Collection method: clinical testing. Allele origin: germline.
Comment: This sequence change replaces glycine, which is neutral and non-polar, with glutamic acid, which is acidic and polar, at codon 246 of the TCOF1 protein (p.Gly246Glu). This variant is present in population databases (rs752816706, gnomAD 0.01%). This variant has not been reported in the literature in individuals affected with TCOF1-related conditions. ClinVar contains an entry for this variant (Variation ID: 1341641). An algorithm developed to predict the effect of missense changes on protein structure and function (PolyPhen-2) suggests that this variant is likely to be disruptive. In summary, the available evidence is currently insufficient to determine the role of this variant in disease. Therefore, it has been classified as a Variant of Uncertain Significance.

Ambry Genetics
Classification: Uncertain significance for Inborn genetic diseases. Last evaluated: 2024-03-29. Review status: criteria provided, single submitter. Criteria: Ambry Variant Classification Scheme 2023. Collection method: clinical testing. Allele origin: germline.

Blueprint Genetics
Classification: Likely benign. Last evaluated: 2023-02-03. Review status: criteria provided, single submitter. Criteria: ACMG Guidelines, 2015. Collection method: clinical testing. Allele origin: germline.

GeneDx
Classification: Uncertain significance. Last evaluated: 2021-08-09. Review status: criteria provided, single submitter. Criteria: GeneDx Variant Classification Process June 2021. Collection method: clinical testing. Allele origin: germline. Affected: yes.
Comment: In silico analysis supports that this missense variant has a deleterious effect on protein structure/function; Has not been previously published as pathogenic or benign to our knowledge

NM_001371623.1(TCOF1):c.737G>A (p.Gly246Glu)

Gene: TCOF1 (treacle ribosome biogenesis factor 1; plus strand). Cytogenetic location: 5q32.
Variant type: single nucleotide variant.
Coding change: c.737G>A on transcript NM_001371623.1 (MANE Select); coding-DNA position 737, G replaced by A.
Protein change: p.Gly246Glu; replaces glycine 246 with glutamic acid.
Molecular consequence: missense variant. On other transcripts: intron variant (2).
Genome position (GRCh38, 1-based): chr5:150,372,103, G>A. VCF-style: chr5-150372103-G-A. GRCh37 (hg19) VCF-style: chr5-149751666-G-A.
Other names: c.737G>A, p.Gly246Glu (NM_001008657.3, NM_001135243.2, NM_001135244.2 and 1 more transcripts); c.640-2071G>A (NM_001135245.2, NM_000356.4); short protein forms G246E.
Identifiers: ClinVar variation 1341641 (VCV001341641.11), dbSNP rs752816706, ClinGen allele CA3510658.